The following is an entry in ClinVar:

NM_001130144.3(LTBP3):c.1633C>T (p.Arg545Cys)

Gene: LTBP3 (latent transforming growth factor beta binding protein 3; minus strand). Cytogenetic location: 11q13.1.
Variant type: single nucleotide variant.
Coding change: c.1633C>T on transcript NM_001130144.3 (MANE Select); coding-DNA position 1633, C replaced by T.
Protein change: p.Arg545Cys; replaces arginine 545 with cysteine.
Molecular consequence: missense variant.
Genome position (GRCh38, 1-based): chr11:65,551,213, G>A on the plus strand (C>T on the coding strand, the complement: LTBP3 is on the minus strand). VCF-style: chr11-65551213-G-A. GRCh37 (hg19) VCF-style: chr11-65318684-G-A.
Other names: c.1633C>T, p.Arg545Cys (NM_021070.4); c.1282C>T, p.Arg428Cys (NM_001164266.1); short protein forms R428C, R545C.
Identifiers: ClinVar variation 3622026 (VCV003622026.2).
Genomic context (GRCh38, chr11:65,551,213, plus strand): 5'-CGGCGCTGCGGGAAGGAGGCAAGTCCGGCAGGAACCAGCGCATGGTCGGGGGCGAGGGAC[G>A]GGAGATCAGCTCTGCGGGCGGCAGTGCACTCTGGTCAGAGACGATATTGACTGAAGCCTC-3'
Protein context (NP_001123616.1, residues 535-555): PARPYPELIS[Arg545Cys]PSPPTMRWFL

ClinVar aggregate classification (germline): Uncertain significance (1 of 4 stars; one submission).

Conditions:
Brachyolmia-amelogenesis imperfecta syndrome. Also called: PLATYSPONDYLY WITH AMELOGENESIS IMPERFECTA; Tooth agenesis, selective, 6; Dental anomalies and short stature. Identifiers: Orphanet 2899, MedGen C1832594, MONDO:0011018, OMIM 601216. Disease mechanism: loss of function.

gnomAD v4.1: 2 of 1,547,918 alleles (0.00013%); highest among the groups gnomAD compares: Non-Finnish European, 0.00017%; no homozygotes.

Submission:

Labcorp Genetics (formerly Invitae), Labcorp
Classification: Uncertain significance for Brachyolmia-amelogenesis imperfecta syndrome. Last evaluated: 2024-04-25. Review status: criteria provided, single submitter. Criteria: Invitae Variant Classification Sherloc (09022015). Collection method: clinical testing. Allele origin: germline.
Comment: This sequence change replaces arginine, which is basic and polar, with cysteine, which is neutral and slightly polar, at codon 545 of the LTBP3 protein (p.Arg545Cys). This variant is not present in population databases (gnomAD no frequency). This variant has not been reported in the literature in individuals affected with LTBP3-related conditions. An algorithm developed to predict the effect of missense changes on protein structure and function (PolyPhen-2) suggests that this variant is likely to be disruptive. In summary, the available evidence is currently insufficient to determine the role of this variant in disease. Therefore, it has been classified as a Variant of Uncertain Significance.